The following is an entry in ClinVar:

ClinVar aggregate classification (germline): Conflicting classifications of pathogenicity. Review status: criteria provided, conflicting classifications (1 of 4 stars). 2 submissions from 2 submitters: Uncertain significance (1); Likely benign (1). Last evaluated 2025-03-01.

Conditions:
Hereditary cancer-predisposing syndrome. Also called: Hereditary neoplastic syndrome; Neoplastic Syndromes, Hereditary; Hereditary Cancer Syndrome; Tumor predisposition. Identifiers: Orphanet 140162, MedGen C0027672, MeSH D009386, MONDO:0015356.
EGFR-related lung cancer (EGFR). Identifiers: MedGen CN130014.

Allele frequency attached by ClinVar (database versions not stated): gnomAD exomes below 0.00001.
gnomAD v4.1: 1 of 1,614,206 alleles (0.000062%); highest among the groups gnomAD compares: Non-Finnish European, 0.000085%; no homozygotes.

Submissions (2):

Ambry Genetics
Classification: Likely benign for Hereditary cancer-predisposing syndrome. Last evaluated: 2025-03-01. Review status: criteria provided, single submitter. Criteria: Ambry Variant Classification Scheme 2023. Collection method: clinical testing. Allele origin: germline.

Labcorp Genetics (formerly Invitae), Labcorp
Classification: Uncertain significance for EGFR-related lung cancer. Last evaluated: 2022-01-28. Review status: criteria provided, single submitter. Criteria: Invitae Variant Classification Sherloc (09022015). Collection method: clinical testing. Allele origin: germline.
Comment: In summary, the available evidence is currently insufficient to determine the role of this variant in disease. Therefore, it has been classified as a Variant of Uncertain Significance. Algorithms developed to predict the effect of missense changes on protein structure and function output the following: SIFT: "Tolerated"; PolyPhen-2: "Benign"; Align-GVGD: "Class C0". The aspartic acid amino acid residue is found in multiple mammalian species, which suggests that this missense change does not adversely affect protein function. ClinVar contains an entry for this variant (Variation ID: 967426). This variant has not been reported in the literature in individuals affected with EGFR-related conditions. This variant is not present in population databases (gnomAD no frequency). This sequence change replaces glutamic acid, which is acidic and polar, with aspartic acid, which is acidic and polar, at codon 282 of the EGFR protein (p.Glu282Asp).

NM_005228.5(EGFR):c.846G>C (p.Glu282Asp)

Gene: EGFR (epidermal growth factor receptor; plus strand). Cytogenetic location: 7p11.2.
Variant type: single nucleotide variant.
Coding change: c.846G>C on transcript NM_005228.5 (MANE Select); coding-DNA position 846, G replaced by C.
Protein change: p.Glu282Asp; replaces glutamic acid 282 with aspartic acid.
Molecular consequence: missense variant. On other transcripts: intron variant (1).
Genome position (GRCh38, 1-based): chr7:55,154,109, G>C. VCF-style: chr7-55154109-G-C. GRCh37 (hg19) VCF-style: chr7-55221802-G-C.
Other names: c.711G>C, p.Glu237Asp (NM_001346897.2, NM_001346899.2); c.846G>C, p.Glu282Asp (NM_001346898.2, NM_201282.2, NM_201283.2 and 1 more transcripts); c.687G>C, p.Glu229Asp (NM_001346900.2); c.89-1721G>C (NM_001346941.2); short protein forms E229D, E237D, E282D.
Identifiers: ClinVar variation 967426 (VCV000967426.10), dbSNP rs1785291439, ClinGen allele CA367577803.